The following is an entry in ClinVar:

ClinVar aggregate classification (germline): Benign (1 of 4 stars; one submission).

Allele frequency attached by ClinVar (database versions not stated): ExAC 0.00040; ESP Exome Variant Server 0.00044; gnomAD exomes 0.00048; gnomAD 0.00090; TOPMed 0.00099; 1000 Genomes Project 0.00100; 1000 Genomes Project 30x 0.00109.
gnomAD v4.1: 826 of 1,551,068 alleles (0.053%); highest among the groups gnomAD compares: African/African-American, 0.18%; no homozygotes.

Submission:

CeGaT Center for Human Genetics Tuebingen
Classification: Benign. Last evaluated: 2023-03-01. Review status: criteria provided, single submitter. Criteria: CeGaT Center For Human Genetics Tuebingen Variant Classification Criteria Version 2. Collection method: clinical testing. Allele origin: germline. Affected: yes. Observed: 1 variant allele.
Comment: UBR3: BP4, BS1, BS2

NM_172070.4(UBR3):c.999C>T (p.Gly333=)

Gene: UBR3 (ubiquitin protein ligase E3 component n-recognin 3; plus strand). Cytogenetic location: 2q31.1.
Variant type: single nucleotide variant.
Coding change: c.999C>T on transcript NM_172070.4 (MANE Select); coding-DNA position 999, C replaced by T.
Protein change: p.Gly333=; no amino-acid change (glycine 333 retained).
Molecular consequence: synonymous variant.
Genome position (GRCh38, 1-based): chr2:169,878,535, C>T. VCF-style: chr2-169878535-C-T. GRCh37 (hg19) VCF-style: chr2-170735045-C-T.
Identifiers: ClinVar variation 2651530 (VCV002651530.24), dbSNP rs376035332, ClinGen allele CA1959835.
Genomic context (GRCh38, chr2:169,878,535, plus strand): 5'-AGCAATATGTAGCAACTATGAAGGACAACTATTTTTCTTCTCCTCCAAAGGTTTCATAGG[C>T]GCAACAGGAACTTTGGGACAAGTGGATTCTTCAGATGAGGTGAGATTTAAAGTTCAAAAC-3'
Protein context (NP_742067.3, residues 323-343): TSSLAVQGFI[Gly333=]ATGTLGQVDS